The following is an entry in ClinVar:

NM_001042492.3(NF1):c.7391_7407del (p.Thr2464fs)

Gene: NF1 (neurofibromin 1; plus strand). Cytogenetic location: 17q11.2.
Variant type: Deletion.
Coding change: c.7391_7407del on transcript NM_001042492.3 (MANE Select); coding-DNA positions 7391 to 7407, 17 bases deleted (CTGATATTTCAATGGAA).
Protein change: p.Thr2464fs; shifts the reading frame from threonine 2464.
Molecular consequence: frameshift variant.
Genome position (GRCh38, 1-based): chr17:31,350,252-31,350,268, CTGATATTTCAATGGAA deleted; deleting any 17 consecutive bases within chr17:31,350,251-31,350,268 gives the same sequence; the c. name uses the placement nearest the transcript's 3' end. VCF-style (leftmost placement, unchanged base first): chr17-31350250-TACTGATATTTCAATGGA-T. GRCh37 (hg19) VCF-style: chr17-29677268-TACTGATATTTCAATGGA-T.
Other names: c.7328_7344del17, p.Thr2443Lysfs (NM_000267.4); c.7328_7344del17 (NM_000267.3); short protein forms T2443fs, T2464fs.
Identifiers: ClinVar variation 2452228 (VCV002452228.2), dbSNP rs2508805710, ClinGen allele CA2580093377.

ClinVar aggregate classification (germline): Pathogenic (1 of 4 stars; one submission).

Conditions:
Hereditary cancer-predisposing syndrome. Also called: Neoplastic Syndromes, Hereditary; Tumor predisposition; Hereditary neoplastic syndrome; Hereditary Cancer Syndrome. Identifiers: Orphanet 140162, MedGen C0027672, MeSH D009386, MONDO:0015356.
Cardiovascular phenotype. Identifiers: MedGen CN230736.

Submission:

Ambry Genetics
Classification: Pathogenic for Cardiovascular phenotype; Hereditary cancer-predisposing syndrome. Last evaluated: 2022-12-13. Review status: criteria provided, single submitter. Criteria: Ambry Variant Classification Scheme 2023. Collection method: clinical testing. Allele origin: germline.
Comment: The c.7328_7344del17 pathogenic mutation, located in coding exon 49 of the NF1 gene, results from a deletion of 17 nucleotides at nucleotide positions 7328 to 7344, causing a translational frameshift with a predicted alternate stop codon (p.T2443Kfs*13). This variant is considered to be rare based on population cohorts in the Genome Aggregation Database (gnomAD). This alteration is expected to result in loss of function by premature protein truncation or nonsense-mediated mRNA decay. As such, this alteration is interpreted as a disease-causing mutation.